The following is an entry in ClinVar:

NM_147127.5(EVC2):c.11C>G (p.Ser4Trp)

Gene: EVC2 (EvC ciliary complex subunit 2; minus strand). Cytogenetic location: 4p16.2.
Variant type: single nucleotide variant.
Coding change: c.11C>G on transcript NM_147127.5 (MANE Select); coding-DNA position 11, C replaced by G.
Protein change: p.Ser4Trp; replaces serine 4 with tryptophan.
Molecular consequence: missense variant. On other transcripts: intron variant (1).
Genome position (GRCh38, 1-based): chr4:5,708,503, G>C on the plus strand (C>G on the coding strand, the complement: EVC2 is on the minus strand). VCF-style: chr4-5708503-G-C. GRCh37 (hg19) VCF-style: chr4-5710230-G-C.
Other names: c.-13+326C>G (NM_001166136.2); short protein forms S4W.
Identifiers: ClinVar variation 2940753 (VCV002940753.3), dbSNP rs1468421367, ClinGen allele CA356155558.

ClinVar aggregate classification (germline): Uncertain significance (1 of 4 stars; one submission).

Conditions:
Curry-Hall syndrome (WAD). Also called: WEYERS ACRODENTAL DYSOSTOSIS. Identifiers: Orphanet 952, MedGen C0457013, MONDO:0008673, OMIM 193530.
Ellis-van Creveld syndrome (EVC). Also called: EVC-Related Ellis-van Creveld Syndrome; EVC2-Related Ellis-van Creveld Syndrome; MESOECTODERMAL DYSPLASIA; Chondroectodermal dysplasia. Identifiers: Orphanet 289, MedGen C0013903, MONDO:0009162, OMIM 225500.

gnomAD v4.1: 11 of 1,476,742 alleles (0.00074%); highest among the groups gnomAD compares: Non-Finnish European, 0.00098%; no homozygotes.

Submission:

Labcorp Genetics (formerly Invitae), Labcorp
Classification: Uncertain significance for Curry-Hall syndrome; Ellis-van Creveld syndrome. Last evaluated: 2025-10-23. Review status: criteria provided, single submitter. Criteria: Invitae Variant Classification Sherloc (09022015). Collection method: clinical testing. Allele origin: germline.
Comment: This sequence change replaces serine, which is neutral and polar, with tryptophan, which is neutral and slightly polar, at codon 4 of the EVC2 protein (p.Ser4Trp). This variant is present in population databases (no rsID available, gnomAD 0.004%). This variant has not been reported in the literature in individuals affected with EVC2-related conditions. ClinVar contains an entry for this variant (Variation ID: 2940753). An algorithm developed to predict the effect of missense changes on protein structure and function (PolyPhen-2) suggests that this variant is likely to be tolerated. In summary, the available evidence is currently insufficient to determine the role of this variant in disease. Therefore, it has been classified as a Variant of Uncertain Significance.